The following is an entry in ClinVar:

ClinVar aggregate classification (germline): Uncertain significance (1 of 4 stars; one submission).

Allele frequency attached by ClinVar (database versions not stated): gnomAD exomes below 0.00001; ExAC 0.00001.
gnomAD v4.1: 2 of 1,613,370 alleles (0.00012%); highest among the groups gnomAD compares: Non-Finnish European, 0.00017%; no homozygotes.

Submission:

Ambry Genetics
Classification: Uncertain significance. Last evaluated: 2021-10-05. Review status: criteria provided, single submitter. Criteria: Ambry Variant Classification Scheme 2023. Collection method: clinical testing. Allele origin: germline.
Comment: The p.V1314I variant (also known as c.3940G>A), located in coding exon 16 of the POLQ gene, results from a G to A substitution at nucleotide position 3940. The valine at codon 1314 is replaced by isoleucine, an amino acid with highly similar properties. This amino acid position is conserved. In addition, this alteration is predicted to be tolerated by in silico analysis. Since supporting evidence is limited at this time, the clinical significance of this alteration remains unclear.

NM_199420.4(POLQ):c.3940G>A (p.Val1314Ile)

Gene: POLQ (DNA polymerase theta; minus strand). Cytogenetic location: 3q13.33.
Variant type: single nucleotide variant.
Coding change: c.3940G>A on transcript NM_199420.4 (MANE Select); coding-DNA position 3940, G replaced by A.
Protein change: p.Val1314Ile; replaces valine 1314 with isoleucine.
Molecular consequence: missense variant.
Genome position (GRCh38, 1-based): chr3:121,488,991, C>T on the plus strand (G>A on the coding strand, the complement: POLQ is on the minus strand). VCF-style: chr3-121488991-C-T. GRCh37 (hg19) VCF-style: chr3-121207838-C-T.
Other names: short protein forms V1314I.
Identifiers: ClinVar variation 1736355 (VCV001736355.2), dbSNP rs771712648, ClinGen allele CA2562984.